The following is an entry in ClinVar:

ClinVar aggregate classification (germline): Uncertain significance (1 of 4 stars; one submission).

Submission:

GeneDx
Classification: Uncertain significance. Last evaluated: 2022-06-28. Review status: criteria provided, single submitter. Criteria: GeneDx Variant Classification Process June 2021. Collection method: clinical testing. Allele origin: germline. Affected: yes.
Comment: Not observed at significant frequency in large population cohorts (gnomAD); In silico analysis supports that this missense variant has a deleterious effect on protein structure/function; Has not been previously published as pathogenic or benign to our knowledge

NM_001356.5(DDX3X):c.416C>G (p.Pro139Arg)

Gene: DDX3X (DEAD-box helicase 3 X-linked; plus strand). Cytogenetic location: Xp11.4.
Variant type: single nucleotide variant.
Coding change: c.416C>G on transcript NM_001356.5 (MANE Select); coding-DNA position 416, C replaced by G.
Protein change: p.Pro139Arg; replaces proline 139 with arginine.
Molecular consequence: missense variant. On other transcripts: 5 prime UTR variant (1), non-coding transcript variant (1).
Genome position (GRCh38, 1-based): chrX:41,342,626, C>G. VCF-style: chrX-41342626-C-G. GRCh37 (hg19) VCF-style: chrX-41201879-C-G.
Other names: c.416C>G, p.Pro139Arg (NM_001193416.3); c.368C>G, p.Pro123Arg (NM_001193417.3); c.-143C>G (NM_001363819.1); short protein forms P123R, P139R.
Identifiers: ClinVar variation 1809866 (VCV001809866.1), dbSNP rs758942832, ClinGen allele CA412766560.
Genomic context (GRCh38, chrX:41,342,626, plus strand): 5'-TTGAACGTGGTGGAAACAGTCGCTGGTGTGACAAATCAGATGAAGATGATTGGTCAAAAC[C>G]ACTCCCACCAAGTGAACGCTTGGAACAGTAAGTTTTTGAAGTGTATGTTACTTGTGATGA-3'
Protein context (NP_001347.3, residues 129-149): DKSDEDDWSK[Pro139Arg]LPPSERLEQE